The following is an entry in ClinVar:

ClinVar aggregate classification (germline): Conflicting classifications of pathogenicity. Review status: criteria provided, conflicting classifications (1 of 4 stars). 4 submissions from 4 submitters: Uncertain significance (2); Likely benign (2). Last evaluated 2022-10-30.

Conditions:
Microcephaly 3, primary, autosomal recessive. Identifiers: Orphanet 2512, MedGen C1858108, MONDO:0011488, OMIM 604804.

Allele frequency attached by ClinVar (database versions not stated): TOPMed 0.00074; gnomAD 0.00076 and 0.00078; 1000 Genomes Project 30x 0.00109; gnomAD exomes 0.00076 and 0.00101; ExAC 0.00094; 1000 Genomes Project 0.00100; ESP Exome Variant Server 0.00100.
gnomAD v4.1: 1,592 of 1,613,648 alleles (0.099%); highest among the groups gnomAD compares: Non-Finnish European, 0.13%; 3 homozygotes.

Submissions (4):

Labcorp Genetics (formerly Invitae), Labcorp
Classification: Uncertain significance. Last evaluated: 2022-10-30. Review status: criteria provided, single submitter. Criteria: Invitae Variant Classification Sherloc (09022015). Collection method: clinical testing. Allele origin: germline.
Comment: This sequence change replaces threonine, which is neutral and polar, with isoleucine, which is neutral and non-polar, at codon 360 of the CDK5RAP2 protein (p.Thr360Ile). This variant is present in population databases (rs145165171, gnomAD 0.1%), and has an allele count higher than expected for a pathogenic variant. This variant has not been reported in the literature in individuals affected with CDK5RAP2-related conditions. ClinVar contains an entry for this variant (Variation ID: 158126). Algorithms developed to predict the effect of missense changes on protein structure and function output the following: SIFT: "Tolerated"; PolyPhen-2: "Benign"; Align-GVGD: "Class C0". The isoleucine amino acid residue is found in multiple mammalian species, which suggests that this missense change does not adversely affect protein function. In summary, the available evidence is currently insufficient to determine the role of this variant in disease. Therefore, it has been classified as a Variant of Uncertain Significance.

Illumina Laboratory Services, Illumina
Classification: Uncertain significance for Microcephaly 3, primary, autosomal recessive. Last evaluated: 2018-01-13. Review status: criteria provided, single submitter. Criteria: ICSL Variant Classification Criteria 13 December 2019. Collection method: clinical testing. Allele origin: germline.

GeneDx
Classification: Likely benign. Last evaluated: 2016-01-04. Review status: criteria provided, single submitter. Criteria: GeneDx Variant Classification (06012015). Collection method: clinical testing. Allele origin: germline. Affected: yes.
Comment: This variant is considered likely benign or benign based on one or more of the following criteria: it is a conservative change, it occurs at a poorly conserved position in the protein, it is predicted to be benign by multiple in silico algorithms, and/or has population frequency not consistent with disease.

Genetic Services Laboratory, University of Chicago
Classification: Likely benign. Last evaluated: 2012-12-24. Review status: criteria provided, single submitter. Criteria: ACMG Guidelines, 2007. Collection method: clinical testing. Allele origin: germline. Inheritance: Autosomal recessive inheritance.

NM_018249.6(CDK5RAP2):c.1079C>T (p.Thr360Ile)

Gene: CDK5RAP2 (CDK5 regulatory subunit associated protein 2; minus strand). Cytogenetic location: 9q33.2.
Variant type: single nucleotide variant.
Coding change: c.1079C>T on transcript NM_018249.6 (MANE Select); coding-DNA position 1079, C replaced by T.
Protein change: p.Thr360Ile; replaces threonine 360 with isoleucine.
Molecular consequence: missense variant. On other transcripts: non-coding transcript variant (5).
Genome position (GRCh38, 1-based): chr9:120,524,999, G>A on the plus strand (C>T on the coding strand, the complement: CDK5RAP2 is on the minus strand). VCF-style: chr9-120524999-G-A. GRCh37 (hg19) VCF-style: chr9-123287277-G-A.
Other names: c.1079C>T, p.Thr360Ile (NM_001011649.3, NM_001272039.2); short protein forms T360I.
Identifiers: ClinVar variation 158126 (VCV000158126.10), dbSNP rs145165171, ClinGen allele CA171555.